The following is an entry in ClinVar:

NM_004260.4(RECQL4):c.961G>A (p.Gly321Arg)

Gene: RECQL4 (RecQ like helicase 4; minus strand). Cytogenetic location: 8q24.3.
Variant type: single nucleotide variant.
Coding change: c.961G>A on transcript NM_004260.4 (MANE Select); coding-DNA position 961, G replaced by A.
Protein change: p.Gly321Arg; replaces glycine 321 with arginine.
Molecular consequence: missense variant.
Genome position (GRCh38, 1-based): chr8:144,516,158, C>T on the plus strand (G>A on the coding strand, the complement: RECQL4 is on the minus strand). VCF-style: chr8-144516158-C-T. GRCh37 (hg19) VCF-style: chr8-145741542-C-T.
Other names: short protein forms G321R.
Identifiers: ClinVar variation 528953 (VCV000528953.9), dbSNP rs748212145, ClinGen allele CA4949126.
Genomic context (GRCh38, chr8:144,516,158, plus strand): 5'-TGTGCAGGGGGGCTGTGCCCTCAGCCTTCCCAGCCCTAGCTTGACTGGAGGGGCTGAGTC[C>T]GTGGTACCTGGGGTTCGATGGGCTGCTGCAGGGCTGAGGTGGCTGTGCCTGTACAGGTTC-3'
Protein context (NP_004251.4, residues 311-331): CSSPSNPRYH[Gly321Arg]LSPSSQARAG

ClinVar aggregate classification (germline): Uncertain significance (1 of 4 stars; one submission).

Conditions:
Baller-Gerold syndrome (BGS). Also called: CRANIOSYNOSTOSIS WITH RADIAL DEFECTS. Identifiers: Orphanet 1225, MedGen C0265308, MONDO:0009039, OMIM 218600.

Allele frequency attached by ClinVar (database versions not stated): gnomAD exomes 0.00002; ExAC 0.00003; gnomAD 0.00005 and 0.00006; TOPMed 0.00005.
gnomAD v4.1: 32 of 1,613,240 alleles (0.002%); highest among the groups gnomAD compares: African/African-American, 0.0093%; no homozygotes.

Submission:

Labcorp Genetics (formerly Invitae), Labcorp
Classification: Uncertain significance for Baller-Gerold syndrome. Last evaluated: 2025-11-03. Review status: criteria provided, single submitter. Criteria: Invitae Variant Classification Sherloc (09022015). Collection method: clinical testing. Allele origin: germline.
Comment: This sequence change replaces glycine, which is neutral and non-polar, with arginine, which is basic and polar, at codon 321 of the RECQL4 protein (p.Gly321Arg). The frequency data for this variant in the population databases is considered unreliable, as metrics indicate poor data quality at this position in the gnomAD database. This variant has not been reported in the literature in individuals affected with RECQL4-related conditions. ClinVar contains an entry for this variant (Variation ID: 528953). An algorithm developed to predict the effect of missense changes on protein structure and function outputs the following: PolyPhen-2: "Not Available". The arginine amino acid residue is found in multiple mammalian species, which suggests that this missense change does not adversely affect protein function. Algorithms developed to predict the effect of sequence changes on RNA splicing suggest that this variant may create or strengthen a splice site. In summary, the available evidence is currently insufficient to determine the role of this variant in disease. Therefore, it has been classified as a Variant of Uncertain Significance.